The following is an entry in ClinVar:

NM_025179.4(PLXNA2):c.3952C>A (p.Arg1318Ser)

Gene: PLXNA2 (plexin A2; minus strand). Cytogenetic location: 1q32.2.
Variant type: single nucleotide variant.
Coding change: c.3952C>A on transcript NM_025179.4 (MANE Select); coding-DNA position 3952, C replaced by A.
Protein change: p.Arg1318Ser; replaces arginine 1318 with serine.
Molecular consequence: missense variant.
Genome position (GRCh38, 1-based): chr1:208,043,126, G>T on the plus strand (C>A on the coding strand, the complement: PLXNA2 is on the minus strand). VCF-style: chr1-208043126-G-T. GRCh37 (hg19) VCF-style: chr1-208216471-G-T.
Other names: short protein forms R1318S.
Identifiers: ClinVar variation 3353587 (VCV003353587.2).

ClinVar aggregate classification (germline): Uncertain significance (1 of 4 stars; one submission).

Conditions:
PLXNA2-related disorder. Also called: PLXNA2-related condition.

gnomAD v4.1: 5 of 1,614,004 alleles (0.00031%); highest among the groups gnomAD compares: African/African-American, 0.0067%; no homozygotes.

Submission:

PreventionGenetics, part of Exact Sciences
Classification: Uncertain significance for PLXNA2-related condition. Last evaluated: 2025-06-10. Review status: criteria provided, single submitter. Criteria: ACMG Guidelines, 2015. Collection method: clinical testing. Allele origin: germline.
Comment: The PLXNA2 c.3952C>A variant is predicted to result in the amino acid substitution p.Arg1318Ser. To our knowledge, this variant has not been reported in the literature. This variant is reported in 0.012% of alleles in individuals of African descent in gnomAD. At this time, the clinical significance of this variant is uncertain due to the absence of conclusive functional and genetic evidence.